The following is an entry in ClinVar:

ClinVar aggregate classification (germline): Uncertain significance (1 of 4 stars; one submission).

Allele frequency attached by ClinVar (database versions not stated): gnomAD exomes below 0.00001; TOPMed 0.00002.
gnomAD v4.1: 1 of 1,613,648 alleles (0.000062%); highest among the groups gnomAD compares: African/African-American, 0.0013%; no homozygotes.

Submission:

Labcorp Genetics (formerly Invitae), Labcorp
Classification: Uncertain significance. Last evaluated: 2022-03-19. Review status: criteria provided, single submitter. Criteria: Invitae Variant Classification Sherloc (09022015). Collection method: clinical testing. Allele origin: germline.
Comment: This sequence change replaces tyrosine, which is neutral and polar, with cysteine, which is neutral and slightly polar, at codon 1514 of the TTC37 protein (p.Tyr1514Cys). This variant is not present in population databases (gnomAD no frequency). This variant has not been reported in the literature in individuals affected with TTC37-related conditions. Algorithms developed to predict the effect of missense changes on protein structure and function (SIFT, PolyPhen-2, Align-GVGD) all suggest that this variant is likely to be tolerated. In summary, the available evidence is currently insufficient to determine the role of this variant in disease. Therefore, it has been classified as a Variant of Uncertain Significance.

NM_014639.4(SKIC3):c.4541A>G (p.Tyr1514Cys)

Gene: SKIC3 (SKI3 subunit of superkiller complex; minus strand). Cytogenetic location: 5q15.
Variant type: single nucleotide variant.
Coding change: c.4541A>G on transcript NM_014639.4 (MANE Select); coding-DNA position 4541, A replaced by G.
Protein change: p.Tyr1514Cys; replaces tyrosine 1514 with cysteine.
Molecular consequence: missense variant.
Genome position (GRCh38, 1-based): chr5:95,467,945, T>C on the plus strand (A>G on the coding strand, the complement: SKIC3 is on the minus strand). VCF-style: chr5-95467945-T-C. GRCh37 (hg19) VCF-style: chr5-94803649-T-C.
Other names: short protein forms Y1514C.
Identifiers: ClinVar variation 1477265 (VCV001477265.8), dbSNP rs896186706, ClinGen allele CA122862477.